The following is an entry in ClinVar:

ClinVar aggregate classification (germline): Uncertain significance (1 of 4 stars; one submission).

Conditions:
Hereditary cancer-predisposing syndrome. Also called: Neoplastic Syndromes, Hereditary; Tumor predisposition; Hereditary neoplastic syndrome; Hereditary Cancer Syndrome. Identifiers: Orphanet 140162, MedGen C0027672, MeSH D009386, MONDO:0015356.

Submission:

Ambry Genetics
Classification: Uncertain significance for Hereditary cancer-predisposing syndrome. Last evaluated: 2026-07-06. Review status: criteria provided, single submitter. Criteria: Ambry Variant Classification Scheme 2023. Collection method: clinical testing. Allele origin: germline.
Comment: The p.V525A variant (also known as c.1574T>C), located in coding exon 11 of the BMPR1A gene, results from a T to C substitution at nucleotide position 1574. The valine at codon 525 is replaced by alanine, an amino acid with similar properties. This amino acid position is conserved. In addition, the in silico prediction for this alteration is inconclusive. Based on the available evidence, the clinical significance of this variant remains unclear.

NM_004329.3(BMPR1A):c.1574T>C (p.Val525Ala)

Gene: BMPR1A (bone morphogenetic protein receptor type 1A; plus strand). Cytogenetic location: 10q23.2.
Variant type: single nucleotide variant.
Coding change: c.1574T>C on transcript NM_004329.3 (MANE Select); coding-DNA position 1574, T replaced by C.
Protein change: p.Val525Ala; replaces valine 525 with alanine.
Molecular consequence: missense variant. On other transcripts: non-coding transcript variant (3).
Genome position (GRCh38, 1-based): chr10:86,923,694, T>C. VCF-style: chr10-86923694-T-C. GRCh37 (hg19) VCF-style: chr10-88683451-T-C.
Other names: c.1649T>C, p.Val550Ala (NM_001406559.1); c.1622T>C, p.Val541Ala (NM_001406560.1); c.1574T>C, p.Val525Ala (NM_001406561.1, NM_001406562.1, NM_001406563.1 and 19 more transcripts); c.1568T>C, p.Val523Ala (NM_001406583.1); c.1490T>C, p.Val497Ala (NM_001406584.1, NM_001406585.1, NM_001406586.1 and 2 more transcripts); c.1232T>C, p.Val411Ala (NM_001406589.1); short protein forms V550A, V525A, V411A, V523A, V541A, V497A.
Identifiers: ClinVar variation 5032981 (VCV005032981.1).